The following is an entry in ClinVar:

NM_006204.4(PDE6C):c.144G>T (p.Met48Ile)

Gene: PDE6C (phosphodiesterase 6C; plus strand). Cytogenetic location: 10q23.33.
Variant type: single nucleotide variant.
Coding change: c.144G>T on transcript NM_006204.4 (MANE Select); coding-DNA position 144, G replaced by T.
Protein change: p.Met48Ile; replaces methionine 48 with isoleucine.
Molecular consequence: missense variant.
Genome position (GRCh38, 1-based): chr10:93,612,869, G>T. VCF-style: chr10-93612869-G-T. GRCh37 (hg19) VCF-style: chr10-95372626-G-T.
Other names: short protein forms M48I.
Identifiers: ClinVar variation 1353041 (VCV001353041.8), dbSNP rs566501091, ClinGen allele CA377621697.

ClinVar aggregate classification (germline): Uncertain significance (1 of 4 stars; one submission).

Allele frequency attached by ClinVar (database versions not stated): gnomAD exomes 0.00001.
gnomAD v4.1: 13 of 1,614,174 alleles (0.00081%); highest among the groups gnomAD compares: Non-Finnish European, 0.0011%; no homozygotes.

Submission:

Labcorp Genetics (formerly Invitae), Labcorp
Classification: Uncertain significance. Last evaluated: 2021-03-24. Review status: criteria provided, single submitter. Criteria: Invitae Variant Classification Sherloc (09022015). Collection method: clinical testing. Allele origin: germline.
Comment: In summary, the available evidence is currently insufficient to determine the role of this variant in disease. Therefore, it has been classified as a Variant of Uncertain Significance. This sequence change replaces methionine with isoleucine at codon 48 of the PDE6C protein (p.Met48Ile). The methionine residue is weakly conserved and there is a small physicochemical difference between methionine and isoleucine. This variant is not present in population databases (ExAC no frequency). This variant has not been reported in the literature in individuals with PDE6C-related conditions. Algorithms developed to predict the effect of missense changes on protein structure and function (SIFT, PolyPhen-2, Align-GVGD) all suggest that this variant is likely to be tolerated, but these predictions have not been confirmed by published functional studies and their clinical significance is uncertain.